The following is an entry in ClinVar:

NM_006908.5(RAC1):c.35+2T>G

Genes: RAC1 (Rac family small GTPase 1; plus strand), LOC129997928 (ATAC-STARR-seq lymphoblastoid silent region 17942; plus strand). Cytogenetic location: 7p22.1.
Variant type: single nucleotide variant.
Coding change: c.35+2T>G on transcript NM_006908.5 (MANE Select); the canonical splice donor site of the intron after coding-DNA position 35, T replaced by G.
Molecular consequence: splice donor variant.
Genome position (GRCh38, 1-based): chr7:6,374,772, T>G. VCF-style: chr7-6374772-T-G. GRCh37 (hg19) VCF-style: chr7-6414403-T-G.
Other names: c.35+2T>G (NM_018890.4).
Identifiers: ClinVar variation 1722445 (VCV001722445.1), dbSNP rs2115177206, ClinGen allele CA366757021.

ClinVar aggregate classification (germline): Uncertain significance (1 of 4 stars; one submission).

Submission:

Women's Health and Genetics/Laboratory Corporation of America, LabCorp
Classification: Uncertain significance. Last evaluated: 2022-09-28. Review status: criteria provided, single submitter. Criteria: LabCorp Variant Classification Summary - May 2015. Collection method: clinical testing. Allele origin: germline.
Comment: Variant summary: RAC1 c.35+2T>G is located in a canonical splice-site and is predicted to affect mRNA splicing resulting in a significantly altered protein due to either exon skipping, shortening, or inclusion of intronic material. Several computational tools predict a significant impact on normal splicing: Four predict the variant abolishes the canonical 5' splicing donor site. However, these predictions have yet to be confirmed by functional studies. The variant was absent in 22346 control chromosomes (gnomAD). The available data on variant occurrences in the general population are insufficient to allow any conclusion about variant significance. Loss of function variants in RAC1 have not been associated with Intellectual Disability, Autosomal Dominant 48 in HGMD. To our knowledge, no occurrence of c.35+2T>G in individuals affected with Intellectual Disability, Autosomal Dominant 48 and no experimental evidence demonstrating its impact on protein function have been reported. No clinical diagnostic laboratories have submitted clinical-significance assessments for this variant to ClinVar after 2014. Based on the evidence outlined above, the variant was classified as uncertain significance.